The following is an entry in ClinVar:

ClinVar aggregate classification (germline): Uncertain significance (1 of 4 stars; one submission).

Allele frequency attached by ClinVar (database versions not stated): gnomAD 0.00001; gnomAD exomes 0.00001.
gnomAD v4.1: 22 of 1,613,956 alleles (0.0014%); highest among the groups gnomAD compares: Non-Finnish European, 0.0019%; 1 homozygote.

Submission:

Labcorp Genetics (formerly Invitae), Labcorp
Classification: Uncertain significance. Last evaluated: 2023-10-03. Review status: criteria provided, single submitter. Criteria: Invitae Variant Classification Sherloc (09022015). Collection method: clinical testing. Allele origin: germline.
Comment: This sequence change replaces proline, which is neutral and non-polar, with histidine, which is basic and polar, at codon 177 of the IL18BP protein (p.Pro177His). This variant is present in population databases (no rsID available, gnomAD 0.0009%). This variant has not been reported in the literature in individuals affected with IL18BP-related conditions. ClinVar contains an entry for this variant (Variation ID: 1977055). An algorithm developed to predict the effect of missense changes on protein structure and function (PolyPhen-2) suggests that this variant is likely to be disruptive. In summary, the available evidence is currently insufficient to determine the role of this variant in disease. Therefore, it has been classified as a Variant of Uncertain Significance.

NM_001039660.2(IL18BP):c.530C>A (p.Pro177His)

Gene: IL18BP (interleukin 18 binding protein; plus strand). Cytogenetic location: 11q13.4.
Variant type: single nucleotide variant.
Coding change: c.530C>A on transcript NM_001039660.2 (MANE Select); coding-DNA position 530, C replaced by A.
Protein change: p.Pro177His; replaces proline 177 with histidine.
Molecular consequence: missense variant. On other transcripts: synonymous variant (2), 3 prime UTR variant (1).
Genome position (GRCh38, 1-based): chr11:72,001,806, C>A. VCF-style: chr11-72001806-C-A. GRCh37 (hg19) VCF-style: chr11-71712852-C-A.
Other names: c.530C>A, p.Pro177His (NM_001039659.2, NM_001145057.1, NM_173042.2); c.258C>A, p.Ala86= (NM_001145055.1); c.*161C>A (NM_005699.3); c.402C>A, p.Ala134= (NM_173044.3); short protein forms P177H.
Identifiers: ClinVar variation 1977055 (VCV001977055.5), dbSNP rs1034141187, ClinGen allele CA224379603.